The following is an entry in ClinVar:

NM_014994.3(MAPKBP1):c.3665A>G (p.Gln1222Arg)

Gene: MAPKBP1 (mitogen-activated protein kinase binding protein 1; plus strand). Cytogenetic location: 15q15.1.
Variant type: single nucleotide variant.
Coding change: c.3665A>G on transcript NM_014994.3 (MANE Select); coding-DNA position 3665, A replaced by G.
Protein change: p.Gln1222Arg; replaces glutamine 1222 with arginine.
Molecular consequence: missense variant. On other transcripts: non-coding transcript variant (2), intron variant (1).
Genome position (GRCh38, 1-based): chr15:41,823,513, A>G. VCF-style: chr15-41823513-A-G. GRCh37 (hg19) VCF-style: chr15-42115711-A-G.
Other names: c.3683A>G, p.Gln1228Arg (NM_001128608.2); c.3382+507A>G (NM_001265611.2); c.3683A>G (NM_001128608.1); short protein forms Q1222R, Q1228R.
Identifiers: ClinVar variation 1502267 (VCV001502267.9), dbSNP rs144408089, ClinGen allele CA7498641.

ClinVar aggregate classification (germline): Uncertain significance. Review status: criteria provided, multiple submitters, no conflicts (2 of 4 stars). 2 submissions from 2 submitters: Uncertain significance (2). Last evaluated 2024-05-01.

Conditions:
Inborn genetic diseases. Identifiers: MedGen C0950123, MeSH D030342.

Allele frequency attached by ClinVar (database versions not stated): gnomAD exomes 0.00001 and 0.00003; ExAC 0.00003; gnomAD 0.00005 and 0.00007; TOPMed 0.00007; ESP Exome Variant Server 0.00008.
gnomAD v4.1: 22 of 1,614,024 alleles (0.0014%); highest among the groups gnomAD compares: African/African-American, 0.027%; no homozygotes.

Submissions (2):

Ambry Genetics
Classification: Uncertain significance for Inborn genetic diseases. Last evaluated: 2024-05-01. Review status: criteria provided, single submitter. Criteria: Ambry Variant Classification Scheme 2023. Collection method: clinical testing. Allele origin: germline.

Labcorp Genetics (formerly Invitae), Labcorp
Classification: Uncertain significance. Last evaluated: 2021-05-13. Review status: criteria provided, single submitter. Criteria: Invitae Variant Classification Sherloc (09022015). Collection method: clinical testing. Allele origin: germline.
Comment: In summary, the available evidence is currently insufficient to determine the role of this variant in disease. Therefore, it has been classified as a Variant of Uncertain Significance. Algorithms developed to predict the effect of missense changes on protein structure and function (SIFT, PolyPhen-2, Align-GVGD) all suggest that this variant is likely to be tolerated, but these predictions have not been confirmed by published functional studies and their clinical significance is uncertain. This variant has not been reported in the literature in individuals with MAPKBP1-related conditions. This variant is present in population databases (rs144408089, ExAC 0.04%). This sequence change replaces glutamine with arginine at codon 1228 of the MAPKBP1 protein (p.Gln1228Arg). The glutamine residue is moderately conserved and there is a small physicochemical difference between glutamine and arginine.